The following is an entry in ClinVar:

NC_000017.11:g.58219514G>A

Gene: MKS1 (MKS transition zone complex subunit 1; minus strand). Cytogenetic location: 17q22.
Variant type: single nucleotide variant.
Genome position: GRCh38 VCF-style: chr17-58219514-G-A. GRCh37 (hg19) VCF-style: chr17-56296875-G-A.
Identifiers: ClinVar variation 3352363 (VCV003352363.1).

ClinVar aggregate classification (germline): Likely benign (0 of 4 stars; one submission).

Conditions:
MKS1-related disorder. Also called: MKS1-related condition; MKS1-related disorders. Identifiers: MedGen CN239382.

Submission:

PreventionGenetics, part of Exact Sciences
Classification: Likely benign for MKS1-related condition. Last evaluated: 2022-02-08. Review status: no assertion criteria provided. Collection method: clinical testing. Allele origin: germline.
Comment: This variant is classified as likely benign based on ACMG/AMP sequence variant interpretation guidelines (Richards et al. 2015 PMID: 25741868, with internal and published modifications).